The following is an entry in ClinVar:

NM_001128840.3(CACNA1D):c.5585+63C>T

Gene: CACNA1D (calcium voltage-gated channel subunit alpha1 D; plus strand). Cytogenetic location: 3p21.1.
Variant type: single nucleotide variant.
Coding change: c.5585+63C>T on transcript NM_001128840.3 (MANE Select); 63 bases into the intron after coding-DNA position 5585, C replaced by T.
Molecular consequence: intron variant.
Genome position (GRCh38, 1-based): chr3:53,803,635, C>T. VCF-style: chr3-53803635-C-T. GRCh37 (hg19) VCF-style: chr3-53837662-C-T.
Other names: c.5513+63C>T (NM_001128839.3); c.5645+63C>T (NM_000720.4).
Identifiers: ClinVar variation 682612 (VCV000682612.2), dbSNP rs58252138, ClinGen allele CA11623590.

ClinVar aggregate classification (germline): Benign. Review status: criteria provided, multiple submitters, no conflicts (2 of 4 stars). 2 submissions from 2 submitters: Benign (2). Last evaluated 2018-06-16.

Allele frequency attached by ClinVar (database versions not stated): gnomAD exomes 0.07910; gnomAD 0.14615 and 0.15111; TOPMed 0.15709; 1000 Genomes Project 0.16374; 1000 Genomes Project 30x 0.16786.
gnomAD v4.1: 134,100 of 1,559,596 alleles (8.6%); highest among the groups gnomAD compares: African/African-American, 33%; 8,594 homozygotes.

Submissions (2):

GeneDx
Classification: Benign. Last evaluated: 2018-06-16. Review status: criteria provided, single submitter. Criteria: GeneDx Variant Classification (06012015). Collection method: clinical testing. Allele origin: germline. Affected: yes.
Comment: This variant is considered likely benign or benign based on one or more of the following criteria: it is a conservative change, it occurs at a poorly conserved position in the protein, it is predicted to be benign by multiple in silico algorithms, and/or has population frequency not consistent with disease.

Breakthrough Genomics
Classification: Benign. Review status: criteria provided, single submitter. Criteria: ACMG Guidelines, 2015. Collection method: not provided. Allele origin: germline. Inheritance: Autosomal recessive inheritance. Affected: yes.